The following is an entry in ClinVar:

NM_177400.3(NKX6-2):c.114C>G (p.Ala38=)

Gene: NKX6-2 (NK6 homeobox 2; minus strand). Cytogenetic location: 10q26.3.
Variant type: single nucleotide variant.
Coding change: c.114C>G on transcript NM_177400.3 (MANE Select); coding-DNA position 114, C replaced by G.
Protein change: p.Ala38=; no amino-acid change (alanine 38 retained).
Molecular consequence: synonymous variant.
Genome position (GRCh38, 1-based): chr10:132,785,835, G>C on the plus strand (C>G on the coding strand, the complement: NKX6-2 is on the minus strand). VCF-style: chr10-132785835-G-C. GRCh37 (hg19) VCF-style: chr10-134599339-G-C.
Identifiers: ClinVar variation 1599987 (VCV001599987.33), dbSNP rs199513396, ClinGen allele CA5756146.

ClinVar aggregate classification (germline): Benign/Likely benign. Review status: criteria provided, multiple submitters, no conflicts (2 of 4 stars). 3 submissions from 3 submitters: Benign (1); Likely benign (2). Last evaluated 2026-01-16.

Allele frequency attached by ClinVar (database versions not stated): ESP Exome Variant Server 0.00085; 1000 Genomes Project 0.00160; 1000 Genomes Project 30x 0.00187.

Submissions (3):

Labcorp Genetics (formerly Invitae), Labcorp
Classification: Benign. Last evaluated: 2026-01-16. Review status: criteria provided, single submitter. Criteria: Invitae Variant Classification Sherloc (09022015). Collection method: clinical testing. Allele origin: germline.

CeGaT Center for Human Genetics Tuebingen
Classification: Likely benign. Last evaluated: 2026-01-01. Review status: criteria provided, single submitter. Criteria: CeGaT Center For Human Genetics Tuebingen Variant Classification Criteria Version 2. Collection method: clinical testing. Allele origin: germline. Affected: yes. Observed: 3 variant alleles.
Comment: NKX6-2: BP4, BP7

Blueprint Genetics
Classification: Likely benign. Last evaluated: 2024-11-14. Review status: criteria provided, single submitter. Criteria: ACMG Guidelines, 2015. Collection method: clinical testing. Allele origin: germline.